The following is an entry in ClinVar:

NM_001267550.2(TTN):c.22942G>A (p.Glu7648Lys)

Gene: TTN (titin; minus strand). Cytogenetic location: 2q31.2.
Variant type: single nucleotide variant.
Coding change: c.22942G>A on transcript NM_001267550.2 (MANE Select); coding-DNA position 22942, G replaced by A.
Protein change: p.Glu7648Lys; replaces glutamic acid 7648 with lysine.
Molecular consequence: missense variant. On other transcripts: intron variant (3).
Genome position (GRCh38, 1-based): chr2:178,721,077, C>T on the plus strand (G>A on the coding strand, the complement: TTN is on the minus strand). VCF-style: chr2-178721077-C-T. GRCh37 (hg19) VCF-style: chr2-179585804-C-T.
Other names: c.21991G>A, p.Glu7331Lys (NM_001256850.1); c.13282+17005G>A (NM_003319.4); c.19210G>A, p.Glu6404Lys (NM_133378.4); c.13858+17005G>A (NM_133437.4); c.13657+17005G>A (NM_133432.3); short protein forms E7648K, E6404K, E7331K.
Identifiers: ClinVar variation 46706 (VCV000046706.16), dbSNP rs397517502, ClinGen allele CA139014.

ClinVar aggregate classification (germline): Uncertain significance. Review status: criteria provided, multiple submitters, no conflicts (2 of 4 stars). 6 submissions from 6 submitters: Uncertain significance (3). 3 of the submissions do not count toward it. Last evaluated 2019-03-29.

Conditions:
Dilated cardiomyopathy 1G (CMD1G). Identifiers: Orphanet 154, MedGen C1858763, MONDO:0011400, OMIM 604145.
Autosomal recessive limb-girdle muscular dystrophy type 2J (LGMDR10). Also called: Limb-girdle muscular dystrophy, type 2J; MUSCULAR DYSTROPHY, LIMB-GIRDLE, AUTOSOMAL RECESSIVE 10. Identifiers: Orphanet 140922, MedGen C1837342, MONDO:0012127, OMIM 608807.

Allele frequency attached by ClinVar (database versions not stated): gnomAD exomes 0.00001 and 0.00002; TOPMed 0.00001; ExAC 0.00002; gnomAD 0.00003; 1000 Genomes Project 30x 0.00016; 1000 Genomes Project 0.00020.
gnomAD v4.1: 24 of 1,613,138 alleles (0.0015%); highest among the groups gnomAD compares: African/African-American, 0.0067%; no homozygotes.

Submissions (6):

Revvity Omics, Revvity
Classification: Uncertain significance. Last evaluated: 2019-03-29. Review status: criteria provided, single submitter. Criteria: ACMG Guidelines, 2015. Collection method: clinical testing. Allele origin: germline.

Labcorp Genetics (formerly Invitae), Labcorp
Classification: Uncertain significance for Dilated cardiomyopathy 1G; Autosomal recessive limb-girdle muscular dystrophy type 2J. Last evaluated: 2016-11-11. Review status: criteria provided, single submitter. Criteria: Invitae Variant Classification Sherloc (09022015). Collection method: clinical testing. Allele origin: germline.

Laboratory for Molecular Medicine, Mass General Brigham Personalized Medicine
Classification: Uncertain significance. Last evaluated: 2012-04-05. Review status: criteria provided, single submitter. Criteria: LMM Criteria. Collection method: clinical testing. Allele origin: germline. Observed: 1 variant allele.
Comment: The Glu6404Lys variant in TTN has not been reported in the literature nor previo usly identified by our laboratory. Computational analyses (biochemical amino aci d properties, conservation, AlignGVGD, PolyPhen2, and SIFT) do not provide stron g support for or against an impact to the protein. Additional information is nee ded to fully assess the clinical significance of the Glu6404Lys variant.

Clinical Genetics DNA and cytogenetics Diagnostics Lab, Erasmus MC, Erasmus Medical Center
Classification: Likely benign. Review status: no assertion criteria provided. Collection method: clinical testing. Allele origin: germline. Affected: yes. Study: VKGL Data-share Consensus. Not counted in ClinVar's aggregate classification.

Diagnostic Laboratory, Department of Genetics, University Medical Center Groningen
Classification: Likely benign. Review status: no assertion criteria provided. Collection method: clinical testing. Allele origin: germline. Affected: yes. Study: VKGL Data-share Consensus. Not counted in ClinVar's aggregate classification.

Joint Genome Diagnostic Labs from Nijmegen and Maastricht, Radboudumc and MUMC+
Classification: Likely benign. Review status: no assertion criteria provided. Collection method: clinical testing. Allele origin: germline. Affected: yes. Study: VKGL Data-share Consensus. Not counted in ClinVar's aggregate classification.